The following is an entry in ClinVar:

ClinVar aggregate classification (germline): Uncertain significance (1 of 4 stars; one submission).

Submission:

Labcorp Genetics (formerly Invitae), Labcorp
Classification: Uncertain significance. Last evaluated: 2025-04-01. Review status: criteria provided, single submitter. Criteria: Invitae Variant Classification Sherloc (09022015). Collection method: clinical testing. Allele origin: germline.
Comment: This sequence change replaces glutamic acid, which is acidic and polar, with aspartic acid, which is acidic and polar, at codon 275 of the SLC1A2 protein (p.Glu275Asp). This variant is not present in population databases (gnomAD no frequency). This variant has not been reported in the literature in individuals affected with SLC1A2-related conditions. Invitae Evidence Modeling of protein sequence and biophysical properties (such as structural, functional, and spatial information, amino acid conservation, physicochemical variation, residue mobility, and thermodynamic stability) indicates that this missense variant is not expected to disrupt SLC1A2 protein function with a negative predictive value of 80%. In summary, the available evidence is currently insufficient to determine the role of this variant in disease. Therefore, it has been classified as a Variant of Uncertain Significance.

NM_004171.4(SLC1A2):c.825G>C (p.Glu275Asp)

Gene: SLC1A2 (solute carrier family 1 member 2; minus strand). Cytogenetic location: 11p13.
Variant type: single nucleotide variant.
Coding change: c.825G>C on transcript NM_004171.4 (MANE Select); coding-DNA position 825, G replaced by C.
Protein change: p.Glu275Asp; replaces glutamic acid 275 with aspartic acid.
Molecular consequence: missense variant.
Genome position (GRCh38, 1-based): chr11:35,301,551, C>G on the plus strand (G>C on the coding strand, the complement: SLC1A2 is on the minus strand). VCF-style: chr11-35301551-C-G. GRCh37 (hg19) VCF-style: chr11-35323098-C-G.
Other names: c.798G>C, p.Glu266Asp (NM_001195728.3, NM_001252652.2, NM_001439341.1); c.813G>C, p.Glu271Asp (NM_001439342.1); c.825G>C, p.Glu275Asp (NM_001439343.1); short protein forms E275D, E266D, E271D.
Identifiers: ClinVar variation 4744119 (VCV004744119.1).
Genomic context (GRCh38, chr11:35,301,551, plus strand): 5'-GCTAAGAAGTAAGAACAAGGCCACTTACCACATGATCATGATCACTAACTTCATTACAAT[C>G]TCATTCAAAATGTTGAAGAAATCCACCATCAGCTTGGCCTGATCTCCCATCTTCCCCATA-3'
Protein context (NP_004162.2, residues 265-285): LMVDFFNILN[Glu275Asp]IVMKLVIMIM